The following is an entry in ClinVar:

ClinVar aggregate classification (germline): Uncertain significance (1 of 4 stars; one submission).

Submission:

Labcorp Genetics (formerly Invitae), Labcorp
Classification: Uncertain significance. Last evaluated: 2022-08-19. Review status: criteria provided, single submitter. Criteria: Invitae Variant Classification Sherloc (09022015). Collection method: clinical testing. Allele origin: germline.
Comment: This sequence change replaces serine, which is neutral and polar, with proline, which is neutral and non-polar, at codon 95 of the POMC protein (p.Ser95Pro). Information on the frequency of this variant in the gnomAD database is not available, as this variant may be reported differently in the database. This variant has not been reported in the literature in individuals affected with POMC-related conditions. Algorithms developed to predict the effect of missense changes on protein structure and function are either unavailable or do not agree on the potential impact of this missense change (SIFT: "Not Available"; PolyPhen-2: "Benign"; Align-GVGD: "Not Available"). In summary, the available evidence is currently insufficient to determine the role of this variant in disease. Therefore, it has been classified as a Variant of Uncertain Significance.

NM_000939.4(POMC):c.283_284delinsCC (p.Ser95Pro)

Gene: POMC (proopiomelanocortin; minus strand). Cytogenetic location: 2p23.3.
Variant type: Indel.
Coding change: c.283_284delinsCC on transcript NM_000939.4 (MANE Select); coding-DNA positions 283 to 284, AG replaced by CC.
Protein change: p.Ser95Pro; replaces serine 95 with proline.
Molecular consequence: missense variant.
Genome position (GRCh38, 1-based): chr2:25,161,601-25,161,602, CT replaced by GG on the plus strand (AG replaced by CC on the coding strand, the reverse complement: POMC is on the minus strand). VCF-style: chr2-25161601-CT-GG. GRCh37 (hg19) VCF-style: chr2-25384470-CT-GG.
Other names: c.283_284delinsCC, p.Ser95Pro (NM_001035256.3, NM_001319204.2, NM_001319205.2); short protein forms S95P.
Identifiers: ClinVar variation 2122086 (VCV002122086.4), dbSNP rs2465546570, ClinGen allele CA2580066133.